The following is an entry in ClinVar:

NM_024514.5(CYP2R1):c.846T>G (p.Asp282Glu)

Genes: CYP2R1 (cytochrome P450 family 2 subfamily R member 1; minus strand), PDE3B (phosphodiesterase 3B; plus strand). Cytogenetic location: 11p15.2.
Variant type: single nucleotide variant.
Coding change: c.846T>G on transcript NM_024514.5 (MANE Select); coding-DNA position 846, T replaced by G.
Protein change: p.Asp282Glu; replaces aspartic acid 282 with glutamic acid.
Molecular consequence: missense variant. On other transcripts: non-coding transcript variant (8), intron variant (3).
Genome position (GRCh38, 1-based): chr11:14,880,290, A>C on the plus strand (T>G on the coding strand, the complement: CYP2R1 is on the minus strand). VCF-style: chr11-14880290-A-C. GRCh37 (hg19) VCF-style: chr11-14901836-A-C.
Other names: c.501T>G, p.Asp167Glu (NM_001377214.1, NM_001377215.1, NM_001377216.1 and 5 more transcripts); c.684T>G, p.Asp228Glu (NM_001377217.1); c.147T>G, p.Asp49Glu (NM_001400562.1, NM_001400563.1, NM_001400564.1 and 1 more transcripts); c.702T>G, p.Asp234Glu (NM_001400567.1); c.801T>G, p.Asp267Glu (NM_001400568.1); c.2887-18655A>C (NM_001429700.1); c.2887-18666A>C (NM_001429699.1); c.23-847T>G (NM_001400566.1); short protein forms D167E, D267E, D282E, D234E, D49E, D228E.
Identifiers: ClinVar variation 5008345 (VCV005008345.1).

ClinVar aggregate classification (germline): Uncertain significance (1 of 4 stars; one submission).

gnomAD v4.1: 1 of 1,613,272 alleles (0.000062%); highest among the groups gnomAD compares: Non-Finnish European, 0.000085%; no homozygotes.

Submission:

GeneDx
Classification: Uncertain significance. Last evaluated: 2026-03-01. Review status: criteria provided, single submitter. Criteria: GeneDx Variant Classification Process June 2021. Collection method: clinical testing. Allele origin: germline.
Comment: Not observed at significant frequency in large population cohorts (gnomAD); In silico analysis suggests that this missense variant does not alter protein structure/function; Has not been previously published as pathogenic or benign to our knowledge